The following is an entry in ClinVar:

NM_015272.5(RPGRIP1L):c.3010C>T (p.His1004Tyr)

Gene: RPGRIP1L (RPGRIP1 like; minus strand). Cytogenetic location: 16q12.2.
Variant type: single nucleotide variant.
Coding change: c.3010C>T on transcript NM_015272.5 (MANE Select); coding-DNA position 3010, C replaced by T.
Protein change: p.His1004Tyr; replaces histidine 1004 with tyrosine.
Molecular consequence: missense variant. On other transcripts: intron variant (2).
Genome position (GRCh38, 1-based): chr16:53,638,360, G>A on the plus strand (C>T on the coding strand, the complement: RPGRIP1L is on the minus strand). VCF-style: chr16-53638360-G-A. GRCh37 (hg19) VCF-style: chr16-53672272-G-A.
Other names: c.3010C>T, p.His1004Tyr (NM_001308334.3); c.2959-506C>T (NM_001127897.4, NM_001330538.2); c.3010C>T (NM_015272.4); short protein forms H1004Y.
Identifiers: ClinVar variation 700570 (VCV000700570.18), dbSNP rs574430009, ClinGen allele CA8057385.

ClinVar aggregate classification (germline): Conflicting classifications of pathogenicity. Review status: criteria provided, conflicting classifications (1 of 4 stars). 7 submissions from 5 submitters: Uncertain significance (3); Benign (1); Likely benign (1). 2 of the submissions do not count toward it. Last evaluated 2026-01-31.

Conditions:
RPGRIP1L-related disorder. Also called: RPGRIP1L-related condition; RPGRIP1L-related disorders. Identifiers: MedGen CN239416.
Nephronophthisis 8. Identifiers: MedGen CN119610.
Joubert syndrome 7 (JBTS7). Identifiers: Orphanet 220497, MedGen C1969053, MONDO:0012694, OMIM 611560.
Meckel-Gruber syndrome. Also called: DYSENCEPHALIA SPLANCHNOCYSTICA; GRUBER SYNDROME; Dysencephalia splachnocystica. Identifiers: Orphanet 564, MedGen C0265215, MONDO:0018921.
Joubert syndrome. Also called: JOUBERT-BOLTSHAUSER SYNDROME; Familial aplasia of the vermis. Identifiers: Orphanet 475, MedGen C5979921, MONDO:0018772.
Meckel syndrome, type 5 (MKS5). Identifiers: Orphanet 564, MedGen C1969052, MONDO:0012695, OMIM 611561.

Allele frequency attached by ClinVar (database versions not stated): gnomAD below 0.00001 and 0.00007; TOPMed 0.00001; gnomAD exomes 0.00014 and 0.00028; ExAC 0.00034; 1000 Genomes Project 0.00080; 1000 Genomes Project 30x 0.00094.
gnomAD v4.1: 217 of 1,600,140 alleles (0.014%); highest among the groups gnomAD compares: South Asian, 0.22%; 2 homozygotes.

Submissions (7):

Labcorp Genetics (formerly Invitae), Labcorp
Classification: Benign for Joubert syndrome; Meckel-Gruber syndrome. Last evaluated: 2026-01-31. Review status: criteria provided, single submitter. Criteria: Invitae Variant Classification Sherloc (09022015). Collection method: clinical testing. Allele origin: germline.

Blueprint Genetics
Classification: Likely benign. Last evaluated: 2024-06-10. Review status: criteria provided, single submitter. Criteria: ACMG Guidelines, 2015. Collection method: clinical testing. Allele origin: germline.

Illumina Laboratory Services, Illumina
Classification: Uncertain significance for Meckel syndrome, type 5. Last evaluated: 2018-01-13. Review status: criteria provided, single submitter. Criteria: ICSL Variant Classification Criteria 13 December 2019. Collection method: clinical testing. Allele origin: germline.

Illumina Laboratory Services, Illumina
Classification: Uncertain significance for Nephronophthisis 8. Last evaluated: 2018-01-13. Review status: criteria provided, single submitter. Criteria: ICSL Variant Classification Criteria 13 December 2019. Collection method: clinical testing. Allele origin: germline.

Illumina Laboratory Services, Illumina
Classification: Uncertain significance for Joubert syndrome 7. Last evaluated: 2018-01-13. Review status: criteria provided, single submitter. Criteria: ICSL Variant Classification Criteria 13 December 2019. Collection method: clinical testing. Allele origin: germline.

PreventionGenetics, part of Exact Sciences
Classification: Likely benign for RPGRIP1L-related condition. Last evaluated: 2024-03-15. Review status: no assertion criteria provided. Collection method: clinical testing. Allele origin: germline. Not counted in ClinVar's aggregate classification.
Comment: This variant is classified as likely benign based on ACMG/AMP sequence variant interpretation guidelines (Richards et al. 2015 PMID: 25741868, with internal and published modifications).

Natera, Inc.
Classification: Likely benign for Joubert syndrome. Last evaluated: 2020-01-10. Review status: no assertion criteria provided. Collection method: clinical testing. Allele origin: germline. Not counted in ClinVar's aggregate classification.